The following is an entry in ClinVar:

ClinVar aggregate classification (germline): Likely pathogenic. Review status: criteria provided, multiple submitters, no conflicts (2 of 4 stars). 2 submissions from 2 submitters: Likely pathogenic (2). Last evaluated 2025-07-31.

Conditions:
Curry-Hall syndrome (WAD). Also called: WEYERS ACRODENTAL DYSOSTOSIS. Identifiers: Orphanet 952, MedGen C0457013, MONDO:0008673, OMIM 193530.
Ellis-van Creveld syndrome (EVC). Also called: MESOECTODERMAL DYSPLASIA; Chondroectodermal dysplasia; EVC-Related Ellis-van Creveld Syndrome; EVC2-Related Ellis-van Creveld Syndrome. Identifiers: Orphanet 289, MedGen C0013903, MONDO:0009162, OMIM 225500.

Submissions (2):

Natera, Inc.
Classification: Likely pathogenic for Ellis-van Creveld syndrome. Last evaluated: 2025-07-31. Review status: criteria provided, single submitter. Criteria: Natera Variant Classification Schema (03/2026). Collection method: clinical testing. Allele origin: germline.
Comment: The c.384+1G>T variant in EVC is a canonical splice donor site variant predicted to affect pre-mRNA splicing, which may result in an abnormal transcript and altered protein product. This variant is expected to result in nonsense mediated decay, truncation, or a dysfunctional protein product. This variant is rare in the general population with a frequency below the threshold expected for the associated phenotype(s). Given the available evidence, this variant is classified as Likely Pathogenic.

Fulgent Genetics
Classification: Likely pathogenic for Curry-Hall syndrome; Ellis-van Creveld syndrome. Last evaluated: 2024-02-01. Review status: criteria provided, single submitter. Criteria: ACMG Guidelines, 2015. Collection method: clinical testing. Allele origin: germline.

NM_153717.3(EVC):c.384+1G>T

Gene: EVC (EvC ciliary complex subunit 1; plus strand). Cytogenetic location: 4p16.2.
Variant type: single nucleotide variant.
Coding change: c.384+1G>T on transcript NM_153717.3 (MANE Select); the canonical splice donor site of the intron after coding-DNA position 384, G replaced by T.
Molecular consequence: splice donor variant.
Genome position (GRCh38, 1-based): chr4:5,729,391, G>T. VCF-style: chr4-5729391-G-T. GRCh37 (hg19) VCF-style: chr4-5731118-G-T.
Other names: c.384+1G>T (NM_153717.2, NM_001306090.2, NM_001306092.2).
Identifiers: ClinVar variation 3590626 (VCV003590626.2).
Genomic context (GRCh38, chr4:5,729,391, plus strand): 5'-AATATCACAGCATTCGCCCTGAAGGCCAAAGTCATCTACCCCATCAATCAGAAGTTCCGG[G>T]TGAGAGTCCTGAGCTCCATCATAGAAAGCCAGTTACTTCCGTCATGTGCCAGAGATTGGG-3'